The following is an entry in ClinVar:

ClinVar aggregate classification (germline): Uncertain significance. Review status: criteria provided, multiple submitters, no conflicts (2 of 4 stars). 3 submissions from 3 submitters: Uncertain significance (3). Last evaluated 2026-02-01.

Conditions:
Seizures, benign familial infantile, 3 (BFIS3). Also called: CONVULSIONS, BENIGN FAMILIAL INFANTILE, 3; Familial neonatal seizures. Identifiers: Orphanet 140927, Orphanet 306, MedGen C1843140, MONDO:0011904, OMIM 607745.
Developmental and epileptic encephalopathy, 11 (DEE11). Also called: Early infantile epileptic encephalopathy 11. Identifiers: Orphanet 1934, MedGen C3150987, MONDO:0013388, OMIM 613721.

Submissions (3):

Labcorp Genetics (formerly Invitae), Labcorp
Classification: Uncertain significance for Seizures, benign familial infantile, 3; Developmental and epileptic encephalopathy, 11. Last evaluated: 2026-02-01. Review status: criteria provided, single submitter. Criteria: Invitae Variant Classification Sherloc (09022015). Collection method: clinical testing. Allele origin: germline.
Comment: This sequence change replaces isoleucine, which is neutral and non-polar, with valine, which is neutral and non-polar, at codon 1761 of the SCN2A protein (p.Ile1761Val). This variant is not present in population databases (gnomAD no frequency). This missense change has been observed in individual(s) with clinical features of developmental and epileptic encephalopathy (internal data). ClinVar contains an entry for this variant (Variation ID: 808852). Invitae Evidence Modeling of protein sequence and biophysical properties (such as structural, functional, and spatial information, amino acid conservation, physicochemical variation, residue mobility, and thermodynamic stability) indicates that this missense variant is expected to disrupt SCN2A protein function with a positive predictive value of 95%. In summary, the available evidence is currently insufficient to determine the role of this variant in disease. Therefore, it has been classified as a Variant of Uncertain Significance.

GeneDx
Classification: Uncertain significance. Last evaluated: 2022-01-06. Review status: criteria provided, single submitter. Criteria: GeneDx Variant Classification Process June 2021. Collection method: clinical testing. Allele origin: germline. Affected: yes.
Comment: Not observed at significant frequency in large population cohorts (gnomAD); Missense variants in this gene are often considered pathogenic (HGMD); In silico analysis supports that this missense variant does not alter protein structure/function; Has not been previously published as pathogenic or benign to our knowledge; This substitution is predicted to be within the transmembrane segment S6 of the fourth homologous domain

CeGaT Center for Human Genetics Tuebingen
Classification: Uncertain significance. Last evaluated: 2018-07-01. Review status: criteria provided, single submitter. Criteria: CeGaT Center For Human Genetics Tuebingen Variant Classification Criteria Version 2. Collection method: clinical testing. Allele origin: germline. Affected: yes. Observed: 1 variant allele.

NM_001040142.2(SCN2A):c.5281A>G (p.Ile1761Val)

Gene: SCN2A (sodium voltage-gated channel alpha subunit 2; plus strand). Cytogenetic location: 2q24.3.
Variant type: single nucleotide variant.
Coding change: c.5281A>G on transcript NM_001040142.2 (MANE Select); coding-DNA position 5281, A replaced by G.
Protein change: p.Ile1761Val; replaces isoleucine 1761 with valine.
Molecular consequence: missense variant.
Genome position (GRCh38, 1-based): chr2:165,389,087, A>G. VCF-style: chr2-165389087-A-G. GRCh37 (hg19) VCF-style: chr2-166245597-A-G.
Other names: c.5281A>G, p.Ile1761Val (NM_001040143.2, NM_001371246.1, NM_001371247.1 and 1 more transcripts); short protein forms I1761V.
Identifiers: ClinVar variation 808852 (VCV000808852.51), dbSNP rs1574752573, ClinGen allele CA349038615.
Genomic context (GRCh38, chr2:165,389,087, plus strand): 5'-TCAGTTAAAGGAGACTGTGGGAACCCATCTGTTGGGATTTTCTTTTTTGTCAGTTACATC[A>G]TCATATCCTTCCTGGTTGTGGTGAACATGTACATCGCGGTCATCCTGGAGAACTTCAGTG-3'
Protein context (NP_001035232.1, residues 1751-1771): VGIFFFVSYI[Ile1761Val]ISFLVVVNMY